The following is an entry in ClinVar:

ClinVar aggregate classification (germline): Uncertain significance (1 of 4 stars; one submission).

Conditions:
Familial sleep-related hypermotor epilepsy. Also called: Autosomal Dominant Sleep-Related Hypermotor (Hyperkinetic) Epilepsy. Identifiers: Orphanet 98784, MedGen C3696898, MONDO:0000030.

gnomAD v4.1: 22 of 1,611,404 alleles (0.0014%); highest among the groups gnomAD compares: Non-Finnish European, 0.0018%; no homozygotes.

Submission:

Labcorp Genetics (formerly Invitae), Labcorp
Classification: Uncertain significance. Last evaluated: 2020-10-24. Review status: criteria provided, single submitter. Criteria: Invitae Variant Classification Sherloc (09022015). Collection method: clinical testing. Allele origin: germline.
Comment: In summary, the available evidence is currently insufficient to determine the role of this variant in disease. Therefore, it has been classified as a Variant of Uncertain Significance. Algorithms developed to predict the effect of sequence changes on RNA splicing suggest that this variant may create or strengthen a splice site, but this prediction has not been confirmed by published transcriptional studies. This variant has not been reported in the literature in individuals with CHRNA4-related conditions. This variant is not present in population databases (ExAC no frequency). This sequence change affects codon 115 of the CHRNA4 mRNA. It is a 'silent' change, meaning that it does not change the encoded amino acid sequence of the CHRNA4 protein.

NM_000744.7(CHRNA4):c.345C>A (p.Ser115=)

Genes: CHRNA4 (cholinergic receptor nicotinic alpha 4 subunit; minus strand), LOC126863087 (P300/CBP strongly-dependent group 1 enhancer GRCh37_chr20:61986832-61988031; plus strand). Cytogenetic location: 20q13.33.
Variant type: single nucleotide variant.
Coding change: c.345C>A on transcript NM_000744.7 (MANE Select); coding-DNA position 345, C replaced by A.
Protein change: p.Ser115=; no amino-acid change (serine 115 retained).
Molecular consequence: synonymous variant. On other transcripts: 5 prime UTR variant (1), non-coding transcript variant (1).
Genome position (GRCh38, 1-based): chr20:63,356,013, G>T on the plus strand (C>A on the coding strand, the complement: CHRNA4 is on the minus strand). VCF-style: chr20-63356013-G-T. GRCh37 (hg19) VCF-style: chr20-61987365-G-T.
Other names: c.-202C>A (NM_001256573.2).
Identifiers: ClinVar variation 1021047 (VCV001021047.9), dbSNP rs201033859, ClinGen allele CA409641173.